The following is an entry in ClinVar:

NM_000064.4(C3):c.1477C>G (p.Leu493Val)

Gene: C3 (complement C3; minus strand). Cytogenetic location: 19p13.3.
Variant type: single nucleotide variant.
Coding change: c.1477C>G on transcript NM_000064.4 (MANE Select); coding-DNA position 1477, C replaced by G.
Protein change: p.Leu493Val; replaces leucine 493 with valine.
Molecular consequence: missense variant.
Genome position (GRCh38, 1-based): chr19:6,710,989, G>C on the plus strand (C>G on the coding strand, the complement: C3 is on the minus strand). VCF-style: chr19-6710989-G-C. GRCh37 (hg19) VCF-style: chr19-6711000-G-C.
Other names: short protein forms L493V.
Identifiers: ClinVar variation 1385781 (VCV001385781.8), dbSNP rs773003029, ClinGen allele CA9129444.

ClinVar aggregate classification (germline): Uncertain significance (1 of 4 stars; one submission).

Allele frequency attached by ClinVar (database versions not stated): gnomAD exomes below 0.00001 and 0.00001; ExAC 0.00001.
gnomAD v4.1: 4 of 1,614,024 alleles (0.00025%); highest among the groups gnomAD compares: Non-Finnish European, 0.00034%; no homozygotes.

Submission:

Labcorp Genetics (formerly Invitae), Labcorp
Classification: Uncertain significance. Last evaluated: 2021-05-27. Review status: criteria provided, single submitter. Criteria: Invitae Variant Classification Sherloc (09022015). Collection method: clinical testing. Allele origin: germline.
Comment: Algorithms developed to predict the effect of missense changes on protein structure and function output the following: SIFT: "Deleterious"; PolyPhen-2: "Benign"; Align-GVGD: "Class C0". The valine amino acid residue is found in multiple mammalian species, suggesting that this missense change does not adversely affect protein function. These predictions have not been confirmed by published functional studies and their clinical significance is uncertain. In summary, the available evidence is currently insufficient to determine the role of this variant in disease. Therefore, it has been classified as a Variant of Uncertain Significance. This variant has not been reported in the literature in individuals with C3-related conditions. This variant is present in population databases (rs773003029, ExAC 0.001%). This sequence change replaces leucine with valine at codon 493 of the C3 protein (p.Leu493Val). The leucine residue is highly conserved and there is a small physicochemical difference between leucine and valine.